The following is an entry in ClinVar:

ClinVar aggregate classification (germline): Uncertain significance. Review status: criteria provided, multiple submitters, no conflicts (2 of 4 stars). 2 submissions from 2 submitters: Uncertain significance (2). Last evaluated 2025-03-03.

Allele frequency attached by ClinVar (database versions not stated): gnomAD exomes 0.00001; ExAC 0.00004; ESP Exome Variant Server 0.00008; gnomAD 0.00009; TOPMed 0.00012.
gnomAD v4.1: 25 of 1,612,864 alleles (0.0016%); highest among the groups gnomAD compares: African/African-American, 0.031%; no homozygotes.

Submissions (2):

Labcorp Genetics (formerly Invitae), Labcorp
Classification: Uncertain significance. Last evaluated: 2025-03-03. Review status: criteria provided, single submitter. Criteria: Invitae Variant Classification Sherloc (09022015). Collection method: clinical testing. Allele origin: germline.
Comment: This sequence change replaces glycine, which is neutral and non-polar, with glutamic acid, which is acidic and polar, at codon 2727 of the HMCN1 protein (p.Gly2727Glu). This variant is present in population databases (rs375772455, gnomAD 0.03%). This variant has not been reported in the literature in individuals affected with HMCN1-related conditions. ClinVar contains an entry for this variant (Variation ID: 1985770). An algorithm developed to predict the effect of missense changes on protein structure and function (PolyPhen-2) suggests that this variant is likely to be disruptive. In summary, the available evidence is currently insufficient to determine the role of this variant in disease. Therefore, it has been classified as a Variant of Uncertain Significance.

Ambry Genetics
Classification: Uncertain significance. Last evaluated: 2025-02-01. Review status: criteria provided, single submitter. Criteria: Ambry Variant Classification Scheme 2023. Collection method: clinical testing. Allele origin: germline.

NM_031935.3(HMCN1):c.8180G>A (p.Gly2727Glu)

Gene: HMCN1 (hemicentin 1; plus strand). Cytogenetic location: 1q31.1.
Variant type: single nucleotide variant.
Coding change: c.8180G>A on transcript NM_031935.3 (MANE Select); coding-DNA position 8180, G replaced by A.
Protein change: p.Gly2727Glu; replaces glycine 2727 with glutamic acid.
Molecular consequence: missense variant.
Genome position (GRCh38, 1-based): chr1:186,074,781, G>A. VCF-style: chr1-186074781-G-A. GRCh37 (hg19) VCF-style: chr1-186043913-G-A.
Other names: c.8180G>A (NM_031935.2); short protein forms G2727E.
Identifiers: ClinVar variation 1985770 (VCV001985770.5), dbSNP rs375772455, ClinGen allele CA1293063.